The following is an entry in ClinVar:

ClinVar aggregate classification (germline): Uncertain significance (1 of 4 stars; one submission).

Conditions:
Intellectual developmental disorder, autosomal dominant 1. Also called: MBD5 Haploinsufficiency; Intellectual disability, autosomal dominant 1. Identifiers: Orphanet 228402, MedGen C1969562, MONDO:0007974, OMIM 156200.

Allele frequency attached by ClinVar (database versions not stated): gnomAD exomes 0.00001; TOPMed 0.00001; ExAC 0.00002.
gnomAD v4.1: 3 of 1,614,008 alleles (0.00019%); highest among the groups gnomAD compares: Non-Finnish European, 0.00025%; no homozygotes.

Submission:

Labcorp Genetics (formerly Invitae), Labcorp
Classification: Uncertain significance for Intellectual developmental disorder, autosomal dominant 1. Last evaluated: 2023-04-29. Review status: criteria provided, single submitter. Criteria: Invitae Variant Classification Sherloc (09022015). Collection method: clinical testing. Allele origin: germline.
Comment: This sequence change replaces asparagine, which is neutral and polar, with serine, which is neutral and polar, at codon 973 of the MBD5 protein (p.Asn973Ser). This variant is present in population databases (rs781448662, gnomAD 0.002%). This variant has not been reported in the literature in individuals affected with MBD5-related conditions. Advanced modeling of protein sequence and biophysical properties (such as structural, functional, and spatial information, amino acid conservation, physicochemical variation, residue mobility, and thermodynamic stability) performed at Invitae indicates that this missense variant is not expected to disrupt MBD5 protein function. In summary, the available evidence is currently insufficient to determine the role of this variant in disease. Therefore, it has been classified as a Variant of Uncertain Significance.

NM_001378120.1(MBD5):c.3617A>G (p.Asn1206Ser)

Gene: MBD5 (methyl-CpG binding domain protein 5; plus strand). Cytogenetic location: 2q23.1.
Variant type: single nucleotide variant.
Coding change: c.3617A>G on transcript NM_001378120.1 (MANE Select); coding-DNA position 3617, A replaced by G.
Protein change: p.Asn1206Ser; replaces asparagine 1206 with serine.
Molecular consequence: missense variant.
Genome position (GRCh38, 1-based): chr2:148,485,814, A>G. VCF-style: chr2-148485814-A-G. GRCh37 (hg19) VCF-style: chr2-149243383-A-G.
Other names: c.2918A>G, p.Asn973Ser (NM_018328.5); short protein forms N973S, N1206S.
Identifiers: ClinVar variation 3019435 (VCV003019435.3), dbSNP rs781448662, ClinGen allele CA1900293.